The following is an entry in ClinVar:

NM_057176.3(BSND):c.353A>G (p.Gln118Arg)

Gene: BSND (barttin CLCNK type accessory subunit beta; plus strand). Cytogenetic location: 1p32.3.
Variant type: single nucleotide variant.
Coding change: c.353A>G on transcript NM_057176.3 (MANE Select); coding-DNA position 353, A replaced by G.
Protein change: p.Gln118Arg; replaces glutamine 118 with arginine.
Molecular consequence: missense variant.
Genome position (GRCh38, 1-based): chr1:55,007,077, A>G. VCF-style: chr1-55007077-A-G. GRCh37 (hg19) VCF-style: chr1-55472750-A-G.
Other names: short protein forms Q118R.
Identifiers: ClinVar variation 5039609 (VCV005039609.1).

ClinVar aggregate classification (germline): Likely benign (1 of 4 stars; one submission).

gnomAD v4.1: 16 of 1,614,092 alleles (0.00099%); highest among the groups gnomAD compares: Admixed American, 0.022%; 1 homozygote.

Submission:

CeGaT Center for Human Genetics Tuebingen
Classification: Likely benign. Last evaluated: 2026-08-01. Review status: criteria provided, single submitter. Criteria: CeGaT Center For Human Genetics Tuebingen Variant Classification Criteria Version 2. Collection method: clinical testing. Allele origin: germline. Affected: yes. Observed: 1 variant allele.
Comment: BSND: BP4